The following is an entry in ClinVar:

ClinVar aggregate classification (germline): Uncertain significance (1 of 4 stars; one submission).

Allele frequency attached by ClinVar (database versions not stated): 1000 Genomes Project 30x 0.00031.
gnomAD v4.1: 34 of 1,612,326 alleles (0.0021%); highest among the groups gnomAD compares: Admixed American, 0.01%; 1 homozygote.

Submission:

Labcorp Genetics (formerly Invitae), Labcorp
Classification: Uncertain significance. Last evaluated: 2025-04-21. Review status: criteria provided, single submitter. Criteria: Invitae Variant Classification Sherloc (09022015). Collection method: clinical testing. Allele origin: germline.
Comment: This sequence change replaces valine, which is neutral and non-polar, with methionine, which is neutral and non-polar, at codon 1272 of the COL18A1 protein (p.Val1272Met). This variant is present in population databases (rs61736805, gnomAD 0.003%). This variant has not been reported in the literature in individuals affected with COL18A1-related conditions. ClinVar contains an entry for this variant (Variation ID: 1449646). Experimental studies and prediction algorithms are not available or were not evaluated, and the functional significance of this variant is currently unknown. In summary, the available evidence is currently insufficient to determine the role of this variant in disease. Therefore, it has been classified as a Variant of Uncertain Significance.

NM_001379500.1(COL18A1):c.3823G>A (p.Val1275Met)

Genes: COL18A1 (collagen type XVIII alpha 1 chain; plus strand), SLC19A1 (solute carrier family 19 member 1; minus strand). Cytogenetic location: 21q22.3.
Variant type: single nucleotide variant.
Coding change: c.3823G>A on transcript NM_001379500.1 (MANE Select); coding-DNA position 3823, G replaced by A.
Protein change: p.Val1275Met; replaces valine 1275 with methionine.
Molecular consequence: missense variant.
Genome position (GRCh38, 1-based): chr21:45,512,201, G>A. VCF-style: chr21-45512201-G-A. GRCh37 (hg19) VCF-style: chr21-46932115-G-A.
Other names: c.4354G>A, p.Val1452Met (NM_030582.4); c.5059G>A, p.Val1687Met (NM_130444.3); short protein forms V1275M, V1687M, V1452M.
Identifiers: ClinVar variation 1449646 (VCV001449646.4), dbSNP rs61736805, ClinGen allele CA10068107.